The following is an entry in ClinVar:

NM_004260.4(RECQL4):c.520C>A (p.His174Asn)

Gene: RECQL4 (RecQ like helicase 4; minus strand). Cytogenetic location: 8q24.3.
Variant type: single nucleotide variant.
Coding change: c.520C>A on transcript NM_004260.4 (MANE Select); coding-DNA position 520, C replaced by A.
Protein change: p.His174Asn; replaces histidine 174 with asparagine.
Molecular consequence: missense variant.
Genome position (GRCh38, 1-based): chr8:144,516,599, G>T on the plus strand (C>A on the coding strand, the complement: RECQL4 is on the minus strand). VCF-style: chr8-144516599-G-T. GRCh37 (hg19) VCF-style: chr8-145741983-G-T.
Other names: short protein forms H174N.
Identifiers: ClinVar variation 936203 (VCV000936203.6), dbSNP rs369382124, ClinGen allele CA4949262.

ClinVar aggregate classification (germline): Uncertain significance (1 of 4 stars; one submission).

Conditions:
Baller-Gerold syndrome (BGS). Also called: CRANIOSYNOSTOSIS WITH RADIAL DEFECTS. Identifiers: Orphanet 1225, MedGen C0265308, MONDO:0009039, OMIM 218600.

Allele frequency attached by ClinVar (database versions not stated): TOPMed 0.00002.

Submission:

Labcorp Genetics (formerly Invitae), Labcorp
Classification: Uncertain significance for Baller-Gerold syndrome. Last evaluated: 2025-12-01. Review status: criteria provided, single submitter. Criteria: Invitae Variant Classification Sherloc (09022015). Collection method: clinical testing. Allele origin: germline.
Comment: This sequence change replaces histidine, which is basic and polar, with asparagine, which is neutral and polar, at codon 174 of the RECQL4 protein (p.His174Asn). This variant is present in population databases (rs369382124, gnomAD 0.006%). This variant has not been reported in the literature in individuals affected with RECQL4-related conditions. ClinVar contains an entry for this variant (Variation ID: 936203). Invitae Evidence Modeling of protein sequence and biophysical properties (such as structural, functional, and spatial information, amino acid conservation, physicochemical variation, residue mobility, and thermodynamic stability) indicates that this missense variant is not expected to disrupt RECQL4 protein function with a negative predictive value of 80%. In summary, the available evidence is currently insufficient to determine the role of this variant in disease. Therefore, it has been classified as a Variant of Uncertain Significance.